The following is an entry in ClinVar:

ClinVar aggregate classification (germline): Uncertain significance (1 of 4 stars; one submission).

Submission:

GeneDx
Classification: Uncertain significance. Last evaluated: 2024-10-17. Review status: criteria provided, single submitter. Criteria: GeneDx Variant Classification Process June 2021. Collection method: clinical testing. Allele origin: germline. Affected: yes.
Comment: Has not been previously published as pathogenic or benign to our knowledge; Not observed at significant frequency in large population cohorts (gnomAD); In silico analysis supports that this missense variant has a deleterious effect on protein structure/function

NM_003718.5(CDK13):c.2493G>T (p.Lys831Asn)

Gene: CDK13 (cyclin dependent kinase 13; plus strand). Cytogenetic location: 7p14.1.
Variant type: single nucleotide variant.
Coding change: c.2493G>T on transcript NM_003718.5 (MANE Select); coding-DNA position 2493, G replaced by T.
Protein change: p.Lys831Asn; replaces lysine 831 with asparagine.
Molecular consequence: missense variant.
Genome position (GRCh38, 1-based): chr7:40,045,975, G>T. VCF-style: chr7-40045975-G-T. GRCh37 (hg19) VCF-style: chr7-40085574-G-T.
Other names: c.2493G>T, p.Lys831Asn (NM_031267.4); short protein forms K831N.
Identifiers: ClinVar variation 3781008 (VCV003781008.1).